The following is an entry in ClinVar:

ClinVar aggregate classification (germline): Uncertain significance. Review status: criteria provided, multiple submitters, no conflicts (2 of 4 stars). 3 submissions from 3 submitters: Uncertain significance (3). Last evaluated 2024-08-27.

Allele frequency attached by ClinVar (database versions not stated): ESP Exome Variant Server 0.00054.
gnomAD v4.1: 220 of 1,613,454 alleles (0.014%); highest among the groups gnomAD compares: Non-Finnish European, 0.017%; no homozygotes.

Submissions (3):

Ambry Genetics
Classification: Uncertain significance. Last evaluated: 2024-08-27. Review status: criteria provided, single submitter. Criteria: Ambry Variant Classification Scheme 2023. Collection method: clinical testing. Allele origin: germline.

Mayo Clinic Laboratories, Mayo Clinic
Classification: Uncertain significance. Last evaluated: 2023-03-17. Review status: criteria provided, single submitter. Criteria: ACMG Guidelines, 2015. Collection method: clinical testing. Allele origin: germline. Observed: 1 variant allele.
Comment: BP4

Labcorp Genetics (formerly Invitae), Labcorp
Classification: Uncertain significance. Last evaluated: 2022-07-28. Review status: criteria provided, single submitter. Criteria: Invitae Variant Classification Sherloc (09022015). Collection method: clinical testing. Allele origin: germline.
Comment: This sequence change replaces alanine, which is neutral and non-polar, with serine, which is neutral and polar, at codon 754 of the CTDP1 protein (p.Ala754Ser). The frequency data for this variant in the population databases is considered unreliable, as metrics indicate poor data quality at this position in the gnomAD database. This variant has not been reported in the literature in individuals affected with CTDP1-related conditions. ClinVar contains an entry for this variant (Variation ID: 1512451). Algorithms developed to predict the effect of missense changes on protein structure and function are either unavailable or do not agree on the potential impact of this missense change (SIFT: "Tolerated"; PolyPhen-2: "Possibly Damaging"; Align-GVGD: "Class C0"). In summary, the available evidence is currently insufficient to determine the role of this variant in disease. Therefore, it has been classified as a Variant of Uncertain Significance.

NM_004715.5(CTDP1):c.2260G>T (p.Ala754Ser)

Gene: CTDP1 (CTD phosphatase subunit 1; plus strand). Cytogenetic location: 18q23.
Variant type: single nucleotide variant.
Coding change: c.2260G>T on transcript NM_004715.5 (MANE Select); coding-DNA position 2260, G replaced by T.
Protein change: p.Ala754Ser; replaces alanine 754 with serine.
Molecular consequence: missense variant.
Genome position (GRCh38, 1-based): chr18:79,717,859, G>T. VCF-style: chr18-79717859-G-T. GRCh37 (hg19) VCF-style: chr18-77477859-G-T.
Other names: p.Ala754Ser; c.1903G>T, p.Ala635Ser (NM_001202504.1); c.2260G>T, p.Ala754Ser (NM_001318511.2, NM_048368.4); c.2260G>T (NM_004715.4); short protein forms A635S, A754S.
Identifiers: ClinVar variation 1512451 (VCV001512451.5), dbSNP rs142285723, ClinGen allele CA9010535.